The following is an entry in ClinVar:

ClinVar aggregate classification (germline): Likely benign (0 of 4 stars; one submission).

Conditions:
TRPC5-related disorder. Also called: TRPC5-related condition.

gnomAD v4.1: 2 of 1,210,364 alleles (0.00017%); highest among the groups gnomAD compares: Admixed American, 0.0044%; no homozygotes.

Submission:

PreventionGenetics, part of Exact Sciences
Classification: Likely benign for TRPC5-related condition. Last evaluated: 2022-11-16. Review status: no assertion criteria provided. Collection method: clinical testing. Allele origin: germline.
Comment: This variant is classified as likely benign based on ACMG/AMP sequence variant interpretation guidelines (Richards et al. 2015 PMID: 25741868, with internal and published modifications).

NM_012471.3(TRPC5):c.1863T>A (p.Ile621=)

Gene: TRPC5 (transient receptor potential cation channel subfamily C member 5; minus strand). Cytogenetic location: Xq23.
Variant type: single nucleotide variant.
Coding change: c.1863T>A on transcript NM_012471.3 (MANE Select); coding-DNA position 1863, T replaced by A.
Protein change: p.Ile621=; no amino-acid change (isoleucine 621 retained).
Molecular consequence: synonymous variant.
Genome position (GRCh38, 1-based): chrX:111,834,954, A>T on the plus strand (T>A on the coding strand, the complement: TRPC5 is on the minus strand). VCF-style: chrX-111834954-A-T. GRCh37 (hg19) VCF-style: chrX-111078182-A-T.
Identifiers: ClinVar variation 3353383 (VCV003353383.1).